The following is an entry in ClinVar:

ClinVar aggregate classification (germline): Uncertain significance (1 of 4 stars; one submission).

gnomAD v4.1: 1 of 1,614,176 alleles (0.000062%); highest among the groups gnomAD compares: Admixed American, 0.0017%; no homozygotes.

Submission:

Ambry Genetics
Classification: Uncertain significance. Last evaluated: 2025-08-01. Review status: criteria provided, single submitter. Criteria: Ambry Variant Classification Scheme 2023. Collection method: clinical testing. Allele origin: germline.
Comment: The p.K181R variant (also known as c.542A>G), located in coding exon 1 of the CDK12 gene, results from an A to G substitution at nucleotide position 542. The lysine at codon 181 is replaced by arginine, an amino acid with highly similar properties. This amino acid position is conserved. In addition, this alteration is predicted to be tolerated by in silico analysis. Based on the available evidence, the clinical significance of this variant remains unclear.

NM_016507.4(CDK12):c.542A>G (p.Lys181Arg)

Genes: CDK12 (cyclin dependent kinase 12; plus strand), LOC126862553 (CDK7 strongly-dependent group 2 enhancer GRCh37_chr17:37618166-37619365; plus strand). Cytogenetic location: 17q12.
Variant type: single nucleotide variant.
Coding change: c.542A>G on transcript NM_016507.4 (MANE Select); coding-DNA position 542, A replaced by G.
Protein change: p.Lys181Arg; replaces lysine 181 with arginine.
Molecular consequence: missense variant.
Genome position (GRCh38, 1-based): chr17:39,462,613, A>G. VCF-style: chr17-39462613-A-G. GRCh37 (hg19) VCF-style: chr17-37618866-A-G.
Other names: c.542A>G, p.Lys181Arg (NM_015083.4); short protein forms K181R.
Identifiers: ClinVar variation 4224321 (VCV004224321.1).
Genomic context (GRCh38, chr17:39,462,613, plus strand): 5'-ATGGGAAGGCGCAGGTAGCCAAAAGCAGCAGCAAGGAATCCAGGTCATCCAAGCTCCACA[A>G]GGAGAAGACCAGGAAAGAACGGGAGCTGAAGTCTGGGCACAAAGACCGGAGTAAAAGTCA-3'
Protein context (NP_057591.2, residues 171-191): SKESRSSKLH[Lys181Arg]EKTRKERELK